The following is an entry in ClinVar:

ClinVar aggregate classification (germline): Pathogenic (1 of 4 stars; one submission).

Allele frequency attached by ClinVar (database versions not stated): TOPMed 0.00001.

Submission:

Labcorp Genetics (formerly Invitae), Labcorp
Classification: Pathogenic. Last evaluated: 2022-03-17. Review status: criteria provided, single submitter. Criteria: Invitae Variant Classification Sherloc (09022015). Collection method: clinical testing. Allele origin: germline.
Comment: For these reasons, this variant has been classified as Pathogenic. This variant has not been reported in the literature in individuals affected with RGS9-related conditions. This variant is not present in population databases (gnomAD no frequency). This sequence change creates a premature translational stop signal (p.Trp109*) in the RGS9 gene. It is expected to result in an absent or disrupted protein product. Loss-of-function variants in RGS9 are known to be pathogenic (PMID: 11262419, 14702087).

Literature cited by the submitters: PubMed 11262419; PubMed 14702087.

NM_003835.4(RGS9):c.327G>A (p.Trp109Ter)

Gene: RGS9 (regulator of G protein signaling 9; plus strand). Cytogenetic location: 17q24.1.
Variant type: single nucleotide variant.
Coding change: c.327G>A on transcript NM_003835.4 (MANE Select); coding-DNA position 327, G replaced by A.
Protein change: p.Trp109Ter; replaces tryptophan 109 with a stop codon.
Molecular consequence: nonsense.
Genome position (GRCh38, 1-based): chr17:65,160,550, G>A. VCF-style: chr17-65160550-G-A. GRCh37 (hg19) VCF-style: chr17-63156668-G-A.
Other names: c.327G>A, p.Trp109Ter (NM_001081955.3, NM_001165933.2); short protein forms W109*.
Identifiers: ClinVar variation 1464938 (VCV001464938.6), dbSNP rs1910941663, ClinGen allele CA400664558.